The following is an entry in ClinVar:

NM_004100.5(EYA4):c.838C>A (p.Gln280Lys)

Gene: EYA4 (EYA transcriptional coactivator and phosphatase 4; plus strand). Cytogenetic location: 6q23.2.
Variant type: single nucleotide variant.
Coding change: c.838C>A on transcript NM_004100.5 (MANE Select); coding-DNA position 838, C replaced by A.
Protein change: p.Gln280Lys; replaces glutamine 280 with lysine.
Molecular consequence: missense variant.
Genome position (GRCh38, 1-based): chr6:133,468,599, C>A. VCF-style: chr6-133468599-C-A. GRCh37 (hg19) VCF-style: chr6-133789737-C-A.
Other names: c.676C>A, p.Gln226Lys (NM_001301012.2, NM_001370459.1); c.838C>A, p.Gln280Lys (NM_001301013.2, NM_172105.4); c.769C>A, p.Gln257Lys (NM_001370458.1, NM_172103.4); short protein forms Q226K, Q257K, Q280K.
Identifiers: ClinVar variation 647153 (VCV000647153.10), dbSNP rs202030718, ClinGen allele CA4008170.
Genomic context (GRCh38, chr6:133,468,599, plus strand): 5'-ACACACACATCTCAATTATTGTTTCAGGATTATCCATCCTATACAGCCTTTGGCCAAAAC[C>A]AGTATGCACAGTATTATTCAGCATCAACGTATGGAGCGTATATGACATCGAATAACACAG-3'
Protein context (NP_004091.3, residues 270-290): YPSYTAFGQN[Gln280Lys]YAQYYSASTY

ClinVar aggregate classification (germline): Uncertain significance. Review status: criteria provided, multiple submitters, no conflicts (2 of 4 stars). 2 submissions from 2 submitters: Uncertain significance (2). Last evaluated 2025-02-12.

Conditions:
Dilated cardiomyopathy 1J (CMD1J). Also called: CARDIOMYOPATHY, DILATED, WITH SENSORINEURAL HEARING LOSS, AUTOSOMAL DOMINANT. Identifiers: Orphanet 217622, MedGen C1854368, MONDO:0011541, OMIM 605362.

Allele frequency attached by ClinVar (database versions not stated): gnomAD 0.00002 and 0.00003; gnomAD exomes 0.00002 and 0.00004; ExAC 0.00004; TOPMed 0.00004; ESP Exome Variant Server 0.00008; 1000 Genomes Project 30x 0.00016; 1000 Genomes Project 0.00020.
gnomAD v4.1: 31 of 1,612,606 alleles (0.0019%); highest among the groups gnomAD compares: Non-Finnish European, 0.0025%; no homozygotes.

Submissions (2):

Labcorp Genetics (formerly Invitae), Labcorp
Classification: Uncertain significance for Dilated cardiomyopathy 1J. Last evaluated: 2025-02-12. Review status: criteria provided, single submitter. Criteria: Invitae Variant Classification Sherloc (09022015). Collection method: clinical testing. Allele origin: germline.
Comment: This sequence change replaces glutamine, which is neutral and polar, with lysine, which is basic and polar, at codon 280 of the EYA4 protein (p.Gln280Lys). This variant is present in population databases (rs202030718, gnomAD 0.006%). This variant has not been reported in the literature in individuals affected with EYA4-related conditions. ClinVar contains an entry for this variant (Variation ID: 647153). Invitae Evidence Modeling of protein sequence and biophysical properties (such as structural, functional, and spatial information, amino acid conservation, physicochemical variation, residue mobility, and thermodynamic stability) indicates that this missense variant is not expected to disrupt EYA4 protein function with a negative predictive value of 80%. In summary, the available evidence is currently insufficient to determine the role of this variant in disease. Therefore, it has been classified as a Variant of Uncertain Significance.

GeneDx
Classification: Uncertain significance. Last evaluated: 2024-12-17. Review status: criteria provided, single submitter. Criteria: GeneDx Variant Classification Process June 2021. Collection method: clinical testing. Allele origin: germline. Affected: yes.
Comment: In silico analysis supports that this missense variant has a deleterious effect on protein structure/function; Has not been previously published as pathogenic or benign to our knowledge